The following is an entry in ClinVar:

ClinVar aggregate classification (germline): Uncertain significance. Review status: criteria provided, multiple submitters, no conflicts (2 of 4 stars). 2 submissions from 2 submitters: Uncertain significance (2). Last evaluated 2024-03-08.

Conditions:
Xeroderma pigmentosum, group D (XPD). Also called: ERCC2-Related Xeroderma Pigmentosum; XERODERMA PIGMENTOSUM, COMPLEMENTATION GROUP D; XERODERMA PIGMENTOSUM IV; XP, GROUP D; XP, GROUP H. Identifiers: MedGen C0268138, MONDO:0010212, OMIM 278730.

Allele frequency attached by ClinVar (database versions not stated): TOPMed below 0.00001; gnomAD 0.00001.

Submissions (2):

Labcorp Genetics (formerly Invitae), Labcorp
Classification: Uncertain significance. Last evaluated: 2024-03-08. Review status: criteria provided, single submitter. Criteria: Invitae Variant Classification Sherloc (09022015). Collection method: clinical testing. Allele origin: germline.
Comment: This sequence change falls in intron 12 of the ERCC2 gene. It does not directly change the encoded amino acid sequence of the ERCC2 protein. It affects a nucleotide within the consensus splice site. This variant is not present in population databases (gnomAD no frequency). This variant has not been reported in the literature in individuals affected with ERCC2-related conditions. ClinVar contains an entry for this variant (Variation ID: 329515). Variants that disrupt the consensus splice site are a relatively common cause of aberrant splicing (PMID: 17576681, 9536098). Algorithms developed to predict the effect of sequence changes on RNA splicing suggest that this variant is not likely to affect RNA splicing. In summary, the available evidence is currently insufficient to determine the role of this variant in disease. Therefore, it has been classified as a Variant of Uncertain Significance.

Illumina Laboratory Services, Illumina
Classification: Uncertain significance for Xeroderma pigmentosum, group D. Last evaluated: 2018-01-12. Review status: criteria provided, single submitter. Criteria: ICSL Variant Classification Criteria 13 December 2019. Collection method: clinical testing. Allele origin: germline.

Literature cited by the submitters: PubMed 17576681 (cited by Labcorp Genetics (formerly Invitae), Labcorp); PubMed 9536098 (cited by Labcorp Genetics (formerly Invitae), Labcorp).

NM_000400.4(ERCC2):c.1237+5G>A

Gene: ERCC2 (ERCC excision repair 2, TFIIH core complex helicase subunit; minus strand). Cytogenetic location: 19q13.32.
Variant type: single nucleotide variant.
Coding change: c.1237+5G>A on transcript NM_000400.4 (MANE Select); 5 bases into the intron after coding-DNA position 1237, G replaced by A.
Molecular consequence: intron variant.
Genome position (GRCh38, 1-based): chr19:45,361,519, C>T on the plus strand (G>A on the coding strand, the complement: ERCC2 is on the minus strand). VCF-style: chr19-45361519-C-T. GRCh37 (hg19) VCF-style: chr19-45864777-C-T.
Other names: c.1165+5G>A (NM_001130867.2).
Identifiers: ClinVar variation 329515 (VCV000329515.7), dbSNP rs761017664, ClinGen allele CA10652533.